The following is an entry in ClinVar:

NC_012920.1(MT-ATP8):m.8547T>C

Genes: MT-ATP8 (mitochondrially encoded ATP synthase 8; plus strand), MT-ATP6 (mitochondrially encoded ATP synthase 6; plus strand).
Variant type: single nucleotide variant.
Genome position: chrM-8547-T-C.
Identifiers: ClinVar variation 692894 (VCV000692894.2), dbSNP rs1603221579, ClinGen allele CA414796619.

ClinVar aggregate classification (germline): Likely benign. Review status: criteria provided, multiple submitters, no conflicts (2 of 4 stars). 2 submissions from 2 submitters: Likely benign (2). Last evaluated 2025-02-16.

Conditions:
Leigh syndrome (NULS). Also called: Leigh's necrotizing encephalopathy; Leigh's disease; Leigh Syndrome (mtDNA deletion); Leigh Disease; Subacute necrotizing encephalopathy; Necrotizing encephalopathy infantile subacute of Leigh. Identifiers: Orphanet 506, MedGen C2931891, MONDO:0009723, OMIM 256000.

Submissions (2):

Laboratory of Genetics, Children's Clinical University Hospital Latvia
Classification: Likely benign. Last evaluated: 2025-02-16. Review status: criteria provided, single submitter. Criteria: ACMG Guidelines, 2015. Collection method: clinical testing. Allele origin: germline. Affected: yes.

Wong Mito Lab, Molecular and Human Genetics, Baylor College of Medicine
Classification: Likely benign for Leigh syndrome. Last evaluated: 2019-10-17. Review status: criteria provided, single submitter. Criteria: Modified ACMG Guidelines (Unpublished). Collection method: clinical testing. Allele origin: germline.
Comment: The NC_012920.1:m.8547T>C (YP_003024030.1:p.Leu61Pro) variant in MTATP8 gene is interpretated to be a Likely Benign variant based on the modified ACMG guidelines (unpublished). This variant meets the following evidence codes: BS1, BP6